The following is an entry in ClinVar:

ClinVar aggregate classification (germline): Uncertain significance (1 of 4 stars; one submission).

Conditions:
Norman-Roberts syndrome (LIS2). Also called: Lissencephaly 2 (Norman-Roberts type). Identifiers: Orphanet 89844, MedGen C0796089, MONDO:0009760, OMIM 257320.
Familial temporal lobe epilepsy 7. Identifiers: Orphanet 101046, MedGen C4225327, MONDO:0014639, OMIM 616436.

Submission:

Labcorp Genetics (formerly Invitae), Labcorp
Classification: Uncertain significance for Familial temporal lobe epilepsy 7; Norman-Roberts syndrome. Last evaluated: 2023-11-27. Review status: criteria provided, single submitter. Criteria: Invitae Variant Classification Sherloc (09022015). Collection method: clinical testing. Allele origin: germline.
Comment: This sequence change replaces aspartic acid, which is acidic and polar, with histidine, which is basic and polar, at codon 2943 of the RELN protein (p.Asp2943His). This variant is not present in population databases (gnomAD no frequency). This variant has not been reported in the literature in individuals affected with RELN-related conditions. ClinVar contains an entry for this variant (Variation ID: 1022350). Advanced modeling of protein sequence and biophysical properties (such as structural, functional, and spatial information, amino acid conservation, physicochemical variation, residue mobility, and thermodynamic stability) has been performed at Invitae for this missense variant, however the output from this modeling did not meet the statistical confidence thresholds required to predict the impact of this variant on RELN protein function. In summary, the available evidence is currently insufficient to determine the role of this variant in disease. Therefore, it has been classified as a Variant of Uncertain Significance.

NM_005045.4(RELN):c.8827G>C (p.Asp2943His)

Genes: RELN (reelin; minus strand), SLC26A5-AS1 (SLC26A5 antisense RNA 1; plus strand). Cytogenetic location: 7q22.1.
Variant type: single nucleotide variant.
Coding change: c.8827G>C on transcript NM_005045.4 (MANE Select); coding-DNA position 8827, G replaced by C.
Protein change: p.Asp2943His; replaces aspartic acid 2943 with histidine.
Molecular consequence: missense variant.
Genome position (GRCh38, 1-based): chr7:103,498,093, C>G on the plus strand (G>C on the coding strand, the complement: RELN is on the minus strand). VCF-style: chr7-103498093-C-G. GRCh37 (hg19) VCF-style: chr7-103138540-C-G.
Other names: c.8827G>C, p.Asp2943His (NM_173054.3); short protein forms D2943H.
Identifiers: ClinVar variation 1022350 (VCV001022350.9), dbSNP rs1828895929, ClinGen allele CA368753005.
Genomic context (GRCh38, chr7:103,498,093, plus strand): 5'-TTTGCTATGGTGCAATAGAAATAACTAACAAAAAATTCACTTACTTTGCACCTCGAAGAT[C>G]CAAATCTTGTGTAACCGCTTGTCTCACAGTGGATCCCCCAAAATAGAGTGCAGTGTCCTC-3'
Protein context (NP_005036.2, residues 2933-2953): TVRQAVTQDL[Asp2943His]LRGAKFLQYW